The following is an entry in ClinVar:

ClinVar aggregate classification (germline): Uncertain significance. Review status: criteria provided, multiple submitters, no conflicts (2 of 4 stars). 3 submissions from 3 submitters: Uncertain significance (2). 1 of the submissions does not count toward it. Last evaluated 2023-11-23.

Conditions:
Achromatopsia. Also called: Rod monochromatism. Identifiers: Orphanet 49382, MedGen C0152200, MONDO:0018852, HP:0011516.

Allele frequency attached by ClinVar (database versions not stated): ExAC 0.00002; gnomAD 0.00002; gnomAD exomes 0.00002; TOPMed 0.00002.
gnomAD v4.1: 28 of 1,612,356 alleles (0.0017%); highest among the groups gnomAD compares: Middle Eastern, 0.021%; no homozygotes.

Submissions (3):

Blueprint Genetics
Classification: Uncertain significance. Last evaluated: 2023-11-23. Review status: criteria provided, single submitter. Criteria: ACMG Guidelines, 2015. Collection method: clinical testing. Allele origin: germline.

Labcorp Genetics (formerly Invitae), Labcorp
Classification: Uncertain significance. Last evaluated: 2021-08-20. Review status: criteria provided, single submitter. Criteria: Invitae Variant Classification Sherloc (09022015). Collection method: clinical testing. Allele origin: germline.
Comment: This sequence change replaces glutamic acid with lysine at codon 159 of the CNGB3 protein (p.Glu159Lys). The glutamic acid residue is highly conserved and there is a small physicochemical difference between glutamic acid and lysine. This variant is present in population databases (rs777404947, ExAC 0.02%). This variant has not been reported in the literature in individuals affected with CNGB3-related conditions. Algorithms developed to predict the effect of missense changes on protein structure and function (SIFT, PolyPhen-2, Align-GVGD) all suggest that this variant is likely to be disruptive. In summary, the available evidence is currently insufficient to determine the role of this variant in disease. Therefore, it has been classified as a Variant of Uncertain Significance.

Natera, Inc.
Classification: Uncertain significance for Achromatopsia. Last evaluated: 2021-10-04. Review status: no assertion criteria provided. Collection method: clinical testing. Allele origin: germline. Not counted in ClinVar's aggregate classification.

NM_019098.5(CNGB3):c.475G>A (p.Glu159Lys)

Gene: CNGB3 (cyclic nucleotide gated channel subunit beta 3; minus strand). Cytogenetic location: 8q21.3.
Variant type: single nucleotide variant.
Coding change: c.475G>A on transcript NM_019098.5 (MANE Select); coding-DNA position 475, G replaced by A.
Protein change: p.Glu159Lys; replaces glutamic acid 159 with lysine.
Molecular consequence: missense variant.
Genome position (GRCh38, 1-based): chr8:86,670,962, C>T on the plus strand (G>A on the coding strand, the complement: CNGB3 is on the minus strand). VCF-style: chr8-86670962-C-T. GRCh37 (hg19) VCF-style: chr8-87683190-C-T.
Other names: short protein forms E159K.
Identifiers: ClinVar variation 965279 (VCV000965279.5), dbSNP rs777404947, ClinGen allele CA4800391.